The following is an entry in ClinVar:

ClinVar aggregate classification (germline): Uncertain significance. Review status: no assertion criteria provided (0 of 4 stars). 2 submissions from 1 submitter: Uncertain significance (1). 1 of the submissions does not count toward it.

Submissions (2):

Richard Lifton Laboratory, Yale University School of Medicine
Classification: Uncertain significance. Review status: no assertion criteria provided. Collection method: not provided. Allele origin: somatic.
Comment: MYH8:p.W133L
ClinVar note: Converted during submission from unknown to Uncertain significance.

Richard Lifton Laboratory, Yale University School of Medicine
Classification: Uncertain significance. Review status: flagged submission. Collection method: not provided. Allele origin: somatic. Not counted in ClinVar's aggregate classification.
ClinVar note: Converted during submission from unknown to Uncertain significance.
ClinVar note: Reason: This record appears to be redundant with a more recent record from the same submitter.
ClinVar note: Notes: SCV000120064 appears to be redundant with SCV000155167.

NM_002472.3(MYH8):c.398G>T (p.Trp133Leu)

Genes: MYH8 (myosin heavy chain 8; minus strand), MYHAS (myosin heavy chain gene cluster antisense RNA; plus strand). Cytogenetic location: 17p13.1.
Variant type: single nucleotide variant.
Coding change: c.398G>T on transcript NM_002472.3 (MANE Select); coding-DNA position 398, G replaced by T.
Protein change: p.Trp133Leu; replaces tryptophan 133 with leucine.
Molecular consequence: missense variant.
Genome position (GRCh38, 1-based): chr17:10,418,758, C>A on the plus strand (G>T on the coding strand, the complement: MYH8 is on the minus strand). VCF-style: chr17-10418758-C-A. GRCh37 (hg19) VCF-style: chr17-10322075-C-A.
Other names: short protein forms W133L.
Identifiers: ClinVar variation 100840 (VCV000100840.2), dbSNP rs483352720, ClinGen allele CA229105.